The following is an entry in ClinVar:

NM_182925.5(FLT4):c.1093G>A (p.Glu365Lys)

Gene: FLT4 (fms related receptor tyrosine kinase 4; minus strand). Cytogenetic location: 5q35.3.
Variant type: single nucleotide variant.
Coding change: c.1093G>A on transcript NM_182925.5 (MANE Select); coding-DNA position 1093, G replaced by A.
Protein change: p.Glu365Lys; replaces glutamic acid 365 with lysine.
Molecular consequence: missense variant.
Genome position (GRCh38, 1-based): chr5:180,628,892, C>T on the plus strand (G>A on the coding strand, the complement: FLT4 is on the minus strand). VCF-style: chr5-180628892-C-T. GRCh37 (hg19) VCF-style: chr5-180055892-C-T.
Other names: c.1093G>A, p.Glu365Lys (NM_001354989.2, NM_002020.5); c.1093G>A (NM_002020.4); short protein forms E365K.
Identifiers: ClinVar variation 1683756 (VCV001683756.5), dbSNP rs369919880, ClinGen allele CA3606897.

ClinVar aggregate classification (germline): Uncertain significance. Review status: criteria provided, multiple submitters, no conflicts (2 of 4 stars). 2 submissions from 2 submitters: Uncertain significance (2). Last evaluated 2022-07-14.

Conditions:
Inborn genetic diseases. Identifiers: MedGen C0950123, MeSH D030342.
Hereditary lymphedema type I (LMPHM1). Also called: Milroy Disease; LYMPHATIC MALFORMATION 1; Nonne-Milroy disease; Congenital hereditary lymphedema; Early onset lymphedema; Hereditary lymphedema 1. Identifiers: Orphanet 79452, MedGen C1704423, MONDO:0007919, OMIM 153100.

Allele frequency attached by ClinVar (database versions not stated): ExAC 0.00003; TOPMed 0.00003; gnomAD exomes 0.00007; ESP Exome Variant Server 0.00008; 1000 Genomes Project 30x 0.00016; 1000 Genomes Project 0.00020.
gnomAD v4.1: 38 of 1,608,010 alleles (0.0024%); highest among the groups gnomAD compares: Admixed American, 0.027%; no homozygotes.

Submissions (2):

Ambry Genetics
Classification: Uncertain significance for Inborn genetic diseases. Last evaluated: 2022-07-14. Review status: criteria provided, single submitter. Criteria: Ambry Variant Classification Scheme 2023. Collection method: clinical testing. Allele origin: germline.

Laboratorio de Genetica e Diagnostico Molecular, Hospital Israelita Albert Einstein
Classification: Uncertain significance for Hereditary lymphedema type I. Last evaluated: 2021-06-03. Review status: criteria provided, single submitter. Criteria: ACMG Guidelines, 2015. Collection method: clinical testing. Allele origin: germline. Affected: yes.
Comment: ACMG classification criteria: BP4 supporting